The following is an entry in ClinVar:

ClinVar aggregate classification (germline): Likely benign (0 of 4 stars; one submission).

Conditions:
KMT5B-related disorder. Also called: KMT5B-related condition.

Allele frequency attached by ClinVar (database versions not stated): ExAC 0.00005; gnomAD 0.00009; TOPMed 0.00012; 1000 Genomes Project 30x 0.00016; 1000 Genomes Project 0.00020.
gnomAD v4.1: 100 of 1,614,138 alleles (0.0062%); highest among the groups gnomAD compares: Middle Eastern, 0.033%; 1 homozygote.

Submission:

PreventionGenetics, part of Exact Sciences
Classification: Likely benign for KMT5B-related condition. Last evaluated: 2022-03-21. Review status: no assertion criteria provided. Collection method: clinical testing. Allele origin: germline.
Comment: This variant is classified as likely benign based on ACMG/AMP sequence variant interpretation guidelines (Richards et al. 2015 PMID: 25741868, with internal and published modifications).

NM_017635.5(KMT5B):c.1507G>A (p.Ala503Thr)

Gene: KMT5B (lysine methyltransferase 5B; minus strand). Cytogenetic location: 11q13.2.
Variant type: single nucleotide variant.
Coding change: c.1507G>A on transcript NM_017635.5 (MANE Select); coding-DNA position 1507, G replaced by A.
Protein change: p.Ala503Thr; replaces alanine 503 with threonine.
Molecular consequence: missense variant.
Genome position (GRCh38, 1-based): chr11:68,158,839, C>T on the plus strand (G>A on the coding strand, the complement: KMT5B is on the minus strand). VCF-style: chr11-68158839-C-T. GRCh37 (hg19) VCF-style: chr11-67926306-C-T.
Other names: c.991G>A, p.Ala331Thr (NM_001300907.1, NM_001369428.1, NM_001369429.1 and 4 more transcripts); c.787G>A, p.Ala263Thr (NM_001300908.2); c.1507G>A, p.Ala503Thr (NM_001369426.1); short protein forms A263T, A331T, A503T.
Identifiers: ClinVar variation 3054411 (VCV003054411.2), dbSNP rs550206217, ClinGen allele CA6148180.